The following is an entry in ClinVar:

ClinVar aggregate classification (germline): Uncertain significance. Review status: criteria provided, multiple submitters, no conflicts (2 of 4 stars). 4 submissions from 4 submitters: Uncertain significance (4). Last evaluated 2025-11-16.

Conditions:
Hereditary cancer-predisposing syndrome. Also called: Tumor predisposition; Neoplastic Syndromes, Hereditary; Hereditary Cancer Syndrome; Hereditary neoplastic syndrome. Identifiers: Orphanet 140162, MedGen C0027672, MeSH D009386, MONDO:0015356.
POLD1-related polyposis and colorectal cancer syndrome (CRCS10). Also called: Colorectal cancer 10; COLORECTAL CANCER, SUSCEPTIBILITY TO, ON CHROMOSOME 19q; Colorectal cancer, susceptibility to, 10. Identifiers: Orphanet 220460, MedGen C2675481, MONDO:0012953, OMIM 612591.

Allele frequency attached by ClinVar (database versions not stated): TOPMed below 0.00001; gnomAD exomes 0.00005; ExAC 0.00021.
gnomAD v4.1: 24 of 1,565,016 alleles (0.0015%); highest among the groups gnomAD compares: South Asian, 0.027%; 1 homozygote.

Submissions (4):

Labcorp Genetics (formerly Invitae), Labcorp
Classification: Uncertain significance for POLD1-related polyposis and colorectal cancer syndrome. Last evaluated: 2025-11-16. Review status: criteria provided, single submitter. Criteria: Invitae Variant Classification Sherloc (09022015). Collection method: clinical testing. Allele origin: germline.
Comment: This sequence change replaces cysteine, which is neutral and slightly polar, with tyrosine, which is neutral and polar, at codon 991 of the POLD1 protein (p.Cys991Tyr). The frequency data for this variant in the population databases is considered unreliable, as metrics indicate poor data quality at this position in the gnomAD database. This variant has not been reported in the literature in individuals affected with POLD1-related conditions. ClinVar contains an entry for this variant (Variation ID: 619714). Invitae Evidence Modeling of protein sequence and biophysical properties (such as structural, functional, and spatial information, amino acid conservation, physicochemical variation, residue mobility, and thermodynamic stability) indicates that this missense variant is not expected to disrupt POLD1 protein function with a negative predictive value of 80%. In summary, the available evidence is currently insufficient to determine the role of this variant in disease. Therefore, it has been classified as a Variant of Uncertain Significance.

Ambry Genetics
Classification: Uncertain significance for Hereditary cancer-predisposing syndrome. Last evaluated: 2024-03-13. Review status: criteria provided, single submitter. Criteria: Ambry Variant Classification Scheme 2023. Collection method: clinical testing. Allele origin: germline.
Comment: The p.C991Y variant (also known as c.2972G>A), located in coding exon 23 of the POLD1 gene, results from a G to A substitution at nucleotide position 2972. The cysteine at codon 991 is replaced by tyrosine, an amino acid with highly dissimilar properties. This amino acid position is conserved. In addition, the in silico prediction for this alteration is inconclusive. Since supporting evidence is limited at this time, the clinical significance of this alteration remains unclear.

Women's Health and Genetics/Laboratory Corporation of America, LabCorp
Classification: Uncertain significance. Last evaluated: 2023-11-13. Review status: criteria provided, single submitter. Criteria: LabCorp Variant Classification Summary - May 2015. Collection method: clinical testing. Allele origin: germline.
Comment: Variant summary: POLD1 c.2972G>A (p.Cys991Tyr) results in a non-conservative amino acid change in the encoded protein sequence. Three of five in-silico tools predict a benign effect of the variant on protein function. The variant allele was found at a frequency of 5.3e-05 in 170720 control chromosomes in the gnomAD database, including 1 homozygotes. The available data on variant occurrences in the general population are insufficient to allow any conclusion about variant significance. To our knowledge, no occurrence of c.2972G>A in individuals affected with Colorectal Cancer and no experimental evidence demonstrating its impact on protein function have been reported. Three submitters have cited clinical-significance assessments for this variant to ClinVar after 2014. All submitters classified the variant as uncertain significance. Based on the evidence outlined above, the variant was classified as uncertain significance.

Quest Diagnostics Nichols Institute San Juan Capistrano
Classification: Uncertain significance. Last evaluated: 2018-03-13. Review status: criteria provided, single submitter. Criteria: Quest Diagnostics criteria. Collection method: clinical testing. Allele origin: germline.

NM_002691.4(POLD1):c.2972G>A (p.Cys991Tyr)

Gene: POLD1 (DNA polymerase delta 1, catalytic subunit; plus strand). Cytogenetic location: 19q13.33.
Variant type: single nucleotide variant.
Coding change: c.2972G>A on transcript NM_002691.4 (MANE Select); coding-DNA position 2972, G replaced by A.
Protein change: p.Cys991Tyr; replaces cysteine 991 with tyrosine.
Molecular consequence: missense variant. On other transcripts: non-coding transcript variant (1).
Genome position (GRCh38, 1-based): chr19:50,416,628, G>A. VCF-style: chr19-50416628-G-A. GRCh37 (hg19) VCF-style: chr19-50919885-G-A.
Other names: c.2972G>A, p.Cys991Tyr (NM_001256849.1); c.3050G>A, p.Cys1017Tyr (NM_001308632.1); short protein forms C1017Y, C991Y.
Identifiers: ClinVar variation 619714 (VCV000619714.14), dbSNP rs775264944, ClinGen allele CA9596718.